The following is an entry in ClinVar:

NM_006517.5(SLC16A2):c.604G>A (p.Gly202Arg)

Gene: SLC16A2 (solute carrier family 16 member 2; plus strand). Cytogenetic location: Xq13.2.
Variant type: single nucleotide variant.
Coding change: c.604G>A on transcript NM_006517.5 (MANE Select); coding-DNA position 604, G replaced by A.
Protein change: p.Gly202Arg; replaces glycine 202 with arginine.
Molecular consequence: missense variant.
Genome position (GRCh38, 1-based): chrX:74,524,387, G>A. VCF-style: chrX-74524387-G-A. GRCh37 (hg19) VCF-style: chrX-73744222-G-A.
Other names: short protein forms G202R.
Identifiers: ClinVar variation 196440 (VCV000196440.6), dbSNP rs794727509, ClinGen allele CA243398.

ClinVar aggregate classification (germline): Conflicting classifications of pathogenicity. Review status: criteria provided, conflicting classifications (1 of 4 stars). 2 submissions from 2 submitters: Pathogenic (1); Uncertain significance (1). Last evaluated 2024-07-05.

Conditions:
Allan-Herndon-Dudley syndrome (AHDS). Also called: MENTAL RETARDATION AND MUSCULAR ATROPHY; T3 RESISTANCE; TRIIODOTHYRONINE RESISTANCE; Passos-Bueno syndrome; ALLAN-HERNDON SYNDROME. Identifiers: Orphanet 59, MedGen C0795889, MONDO:0010354, OMIM 300523.

Submissions (2):

Women's Health and Genetics/Laboratory Corporation of America, LabCorp
Classification: Pathogenic for Allan-Herndon-Dudley syndrome. Last evaluated: 2024-07-05. Review status: criteria provided, single submitter. Criteria: LabCorp Variant Classification Summary - May 2015. Collection method: clinical testing. Allele origin: germline.
Comment: Variant summary: SLC16A2 c.604G>A (p.Gly202Arg) results in a non-conservative amino acid change in the encoded protein sequence. Five of five in-silico tools predict a damaging effect of the variant on protein function. The variant was absent in 182387 control chromosomes (gnomAD). c.604G>A has been reported in the literature in multiple individuals affected with Allan-Herndon-Dudley Syndrome (e.g. Choi_2018, Islam_2019, Groeneweg_2020). These data indicate that the variant is very likely to be associated with disease. At least one publication reports experimental evidence evaluating an impact on protein function, finding that the variant results in 10%-<30% of normal T3 uptake activity (Islam_2019). The following publications have been ascertained in the context of this evaluation (PMID: 30497070, 30369548, 32559475). ClinVar contains an entry for this variant (Variation ID: 196440). Based on the evidence outlined above, the variant was classified as pathogenic.

Eurofins Ntd Llc (ga)
Classification: Uncertain significance. Last evaluated: 2015-04-09. Review status: criteria provided, single submitter. Criteria: EGL Classification Definitions 2015. Collection method: clinical testing. Allele origin: germline. Observed: 1 variant allele, 1 hemizygote.

Literature cited by the submitters: PubMed 30497070 (cited by Women's Health and Genetics/Laboratory Corporation of America, LabCorp); PubMed 32559475 (cited by Women's Health and Genetics/Laboratory Corporation of America, LabCorp); PubMed 30369548 (cited by Women's Health and Genetics/Laboratory Corporation of America, LabCorp).